The following is an entry in ClinVar:

ClinVar aggregate classification (germline): Likely pathogenic (1 of 4 stars; one submission).

Conditions:
Autosomal recessive juvenile Parkinson disease 2. Also called: Parkinson disease, juvenile, type 2; Parkinson disease autosomal recessive, early onset; Juvenile parkinsonism; Parkinsonism, early onset, with diurnal fluctuation; PARKINSON DISEASE, JUVENILE, AUTOSOMAL RECESSIVE; PRKN-Related Early-Onset Parkinson Disease. Identifiers: Orphanet 2828, MedGen C1868675, MONDO:0010820, OMIM 600116.

Submission:

Geisinger Autism and Developmental Medicine Institute, Geisinger Health System
Classification: Likely pathogenic for Autosomal recessive juvenile Parkinson disease 2. Last evaluated: 2018-03-01. Review status: criteria provided, single submitter. Criteria: ACMG CNV Guidelines, 2011. Collection method: provider interpretation. Allele origin: unknown.
Comment: Parental testing was not completed. This deletion includes a portion of PARK2. Individuals with deletions of PARK2 are typically asymptomatic carriers for juvenile onset Parkinson Disease.

Single allele

Genes: LNCR-SMAL (lncRNA senescence and mitophagy associated regulator of PRKN; plus strand), PRKN (parkin RBR E3 ubiquitin protein ligase; minus strand), LOC126859871 (MED14-independent group 3 enhancer GRCh37_chr6:162621359-162622558; plus strand). Cytogenetic location: 6q26.
Variant type: Deletion.
Identifiers: ClinVar variation 560128 (VCV000560128.3).